The following is an entry in ClinVar:

ClinVar aggregate classification (germline): Benign. Review status: criteria provided, multiple submitters, no conflicts (2 of 4 stars). 3 submissions from 3 submitters: Benign (2). 1 of the submissions does not count toward it. Last evaluated 2019-11-09.

Conditions:
SMO-related disorder. Also called: SMO-related condition.

Submissions (3):

Labcorp Genetics (formerly Invitae), Labcorp
Classification: Benign. Last evaluated: 2019-11-09. Review status: criteria provided, single submitter. Criteria: Invitae Variant Classification Sherloc (09022015). Collection method: clinical testing. Allele origin: germline.

GeneDx
Classification: Benign. Last evaluated: 2019-04-08. Review status: criteria provided, single submitter. Criteria: GeneDx Variant Classification Process June 2021. Collection method: clinical testing. Allele origin: germline. Affected: yes.
Comment: This variant is associated with the following publications: (PMID: 30709382, 23349881, 23826113)

PreventionGenetics, part of Exact Sciences
Classification: Likely benign for SMO-related condition. Last evaluated: 2022-03-09. Review status: no assertion criteria provided. Collection method: clinical testing. Allele origin: germline. Not counted in ClinVar's aggregate classification.
Comment: This variant is classified as likely benign based on ACMG/AMP sequence variant interpretation guidelines (Richards et al. 2015 PMID: 25741868, with internal and published modifications).

NM_005631.5(SMO):c.49CTG[8] (p.Leu23dup)

Genes: SMO (smoothened, frizzled class receptor; plus strand), LOC129999303 (ATAC-STARR-seq lymphoblastoid silent region 18626; plus strand). Cytogenetic location: 7q32.1.
Variant type: Microsatellite.
Coding change: c.49CTG[8] on transcript NM_005631.5 (MANE Select); eight copies in a row of the 3-base unit CTG starting at c.49; the reference has seven copies in a row; one copy, 3 bases duplicated; also written c.67_69dup.
Protein change: p.Leu23dup; duplicates leucine 23.
Molecular consequence: inframe insertion.
Genome position (GRCh38, 1-based): chr7:129,189,218-129,189,220, CTG duplicated; duplicating any 3 consecutive bases within chr7:129,189,199-129,189,220 gives the same sequence; the position shown is the placement nearest the transcript's 3' end. VCF-style (leftmost placement, unchanged base first): chr7-129189198-G-GGCT. GRCh37 (hg19) VCF-style: chr7-128829039-G-GGCT.
Other names: c.67_69dup (NM_005631.4).
Identifiers: ClinVar variation 769335 (VCV000769335.9), dbSNP rs570242755, ClinGen allele CA4479057.